The following is an entry in ClinVar:

ClinVar aggregate classification (germline): Uncertain significance (1 of 4 stars; one submission).

Conditions:
PKD1-related disorder. Also called: PKD1-related condition.

gnomAD v4.1: 3 of 1,601,988 alleles (0.00019%); highest among the groups gnomAD compares: East Asian, 0.0045%; no homozygotes.

Submission:

PreventionGenetics, part of Exact Sciences
Classification: Uncertain significance for PKD1-related condition. Last evaluated: 2026-09-23. Review status: criteria provided, single submitter. Criteria: ACMG Guidelines, 2015. Collection method: clinical testing. Allele origin: germline.
Comment: The PKD1 c.1997C>G variant is predicted to result in the amino acid substitution p.Ala666Gly. To our knowledge, this variant has not been reported in the literature. This variant is reported in 0.064% of alleles in individuals of East Asian descent in gnomAD v2 (displayed in the table above) based on only 1 out of 31,276 alleles. However, in gnomAD v4 (available only on GRCh38), this variant is reported in only 0.005% of alleles in individuals of East Asian descent. At this time, the clinical significance of this variant is uncertain due to the absence of conclusive functional and genetic evidence.

NM_001009944.3(PKD1):c.1997C>G (p.Ala666Gly)

Gene: PKD1 (polycystin 1, transient receptor potential channel interacting; minus strand). Cytogenetic location: 16p13.3.
Variant type: single nucleotide variant.
Coding change: c.1997C>G on transcript NM_001009944.3 (MANE Select); coding-DNA position 1997, C replaced by G.
Protein change: p.Ala666Gly; replaces alanine 666 with glycine.
Molecular consequence: missense variant.
Genome position (GRCh38, 1-based): chr16:2,115,478, G>C on the plus strand (C>G on the coding strand, the complement: PKD1 is on the minus strand). VCF-style: chr16-2115478-G-C. GRCh37 (hg19) VCF-style: chr16-2165479-G-C.
Other names: c.1997C>G, p.Ala666Gly (NM_000296.4); short protein forms A666G.
Identifiers: ClinVar variation 4986111 (VCV004986111.1).